The following is an entry in ClinVar:

NM_003070.5(SMARCA2):c.458C>T (p.Pro153Leu)

Gene: SMARCA2 (SWI/SNF related BAF chromatin remodeling complex subunit ATPase 2; plus strand). Cytogenetic location: 9p24.3.
Variant type: single nucleotide variant.
Coding change: c.458C>T on transcript NM_003070.5 (MANE Select); coding-DNA position 458, C replaced by T.
Protein change: p.Pro153Leu; replaces proline 153 with leucine.
Molecular consequence: missense variant.
Genome position (GRCh38, 1-based): chr9:2,039,568, C>T. VCF-style: chr9-2039568-C-T. GRCh37 (hg19) VCF-style: chr9-2039568-C-T.
Other names: c.458C>T, p.Pro153Leu (NM_001289396.2, NM_001289397.2, NM_139045.4); short protein forms P153L.
Identifiers: ClinVar variation 1741702 (VCV001741702.3), dbSNP rs774084308, ClinGen allele CA4962862.

ClinVar aggregate classification (germline): Conflicting classifications of pathogenicity. Review status: criteria provided, conflicting classifications (1 of 4 stars). 2 submissions from 2 submitters: Uncertain significance (1); Likely benign (1). Last evaluated 2025-05-02.

Conditions:
Inborn genetic diseases. Identifiers: MedGen C0950123, MeSH D030342.

Allele frequency attached by ClinVar (database versions not stated): gnomAD 0.00001; gnomAD exomes 0.00001; ExAC 0.00002; TOPMed 0.00004.
gnomAD v4.1: 15 of 1,614,056 alleles (0.00093%); highest among the groups gnomAD compares: South Asian, 0.0066%; no homozygotes.

Submissions (2):

GeneDx
Classification: Uncertain significance. Last evaluated: 2025-05-02. Review status: criteria provided, single submitter. Criteria: GeneDx Variant Classification Process June 2021. Collection method: clinical testing. Allele origin: germline. Affected: yes.
Comment: In silico analysis supports that this missense variant has a deleterious effect on protein structure/function; Has not been previously reported as pathogenic or benign in association with neurodevelopmental disorders to our knowledge; This variant is associated with the following publications: (PMID: 34070849)

Ambry Genetics
Classification: Likely benign for Inborn genetic diseases. Last evaluated: 2019-06-27. Review status: criteria provided, single submitter. Criteria: Ambry Variant Classification Scheme 2023. Collection method: clinical testing. Allele origin: germline.